The following is an entry in ClinVar:

NM_006383.4(CIB2):c.52G>C (p.Asp18His)

Gene: CIB2 (calcium and integrin binding family member 2; minus strand). Cytogenetic location: 15q25.1.
Variant type: single nucleotide variant.
Coding change: c.52G>C on transcript NM_006383.4 (MANE Select); coding-DNA position 52, G replaced by C.
Protein change: p.Asp18His; replaces aspartic acid 18 with histidine.
Molecular consequence: missense variant. On other transcripts: non-coding transcript variant (1), intron variant (2).
Genome position (GRCh38, 1-based): chr15:78,123,739, C>G on the plus strand (G>C on the coding strand, the complement: CIB2 is on the minus strand). VCF-style: chr15-78123739-C-G. GRCh37 (hg19) VCF-style: chr15-78416081-C-G.
Other names: c.52G>C, p.Asp18His (NM_001301224.2); c.51+7426G>C (NM_001271889.2); c.-44+7426G>C (NM_001271888.2); c.52G>C (NM_006383.2); short protein forms D18H.
Identifiers: ClinVar variation 2069951 (VCV002069951.5), dbSNP rs947632319, ClinGen allele CA273815381.

ClinVar aggregate classification (germline): Uncertain significance. Review status: criteria provided, multiple submitters, no conflicts (2 of 4 stars). 2 submissions from 2 submitters: Uncertain significance (2). Last evaluated 2024-08-04.

Conditions:
Inborn genetic diseases. Identifiers: MedGen C0950123, MeSH D030342.

Allele frequency attached by ClinVar (database versions not stated): gnomAD 0.00002.
gnomAD v4.1: 4 of 1,614,024 alleles (0.00025%); highest among the groups gnomAD compares: Admixed American, 0.005%; no homozygotes.

Submissions (2):

Ambry Genetics
Classification: Uncertain significance for Inborn genetic diseases. Last evaluated: 2024-08-04. Review status: criteria provided, single submitter. Criteria: Ambry Variant Classification Scheme 2023. Collection method: clinical testing. Allele origin: germline.

Labcorp Genetics (formerly Invitae), Labcorp
Classification: Uncertain significance. Last evaluated: 2023-11-13. Review status: criteria provided, single submitter. Criteria: Invitae Variant Classification Sherloc (09022015). Collection method: clinical testing. Allele origin: germline.
Comment: This sequence change replaces aspartic acid, which is acidic and polar, with histidine, which is basic and polar, at codon 18 of the CIB2 protein (p.Asp18His). This variant is not present in population databases (gnomAD no frequency). This variant has not been reported in the literature in individuals affected with CIB2-related conditions. ClinVar contains an entry for this variant (Variation ID: 2069951). An algorithm developed to predict the effect of missense changes on protein structure and function (PolyPhen-2) suggests that this variant is likely to be disruptive. In summary, the available evidence is currently insufficient to determine the role of this variant in disease. Therefore, it has been classified as a Variant of Uncertain Significance.